The following is an entry in ClinVar:

ClinVar aggregate classification (germline): Uncertain significance (1 of 4 stars; one submission).

Conditions:
Cardiovascular phenotype. Identifiers: MedGen CN230736.

Submission:

Ambry Genetics
Classification: Uncertain significance for Cardiovascular phenotype. Last evaluated: 2025-01-31. Review status: criteria provided, single submitter. Criteria: Ambry Variant Classification Scheme 2023. Collection method: clinical testing. Allele origin: germline.
Comment: The p.I1445F variant (also known as c.4333A>T), located in coding exon 30 of the ABCA1 gene, results from an A to T substitution at nucleotide position 4333. The isoleucine at codon 1445 is replaced by phenylalanine, an amino acid with highly similar properties. This amino acid position is conserved. In addition, the in silico prediction for this alteration is inconclusive. Based on the available evidence, the clinical significance of this variant remains unclear.

NM_005502.4(ABCA1):c.4333A>T (p.Ile1445Phe)

Gene: ABCA1 (ATP binding cassette subfamily A member 1; minus strand). Cytogenetic location: 9q31.1.
Variant type: single nucleotide variant.
Coding change: c.4333A>T on transcript NM_005502.4 (MANE Select); coding-DNA position 4333, A replaced by T.
Protein change: p.Ile1445Phe; replaces isoleucine 1445 with phenylalanine.
Molecular consequence: missense variant.
Genome position (GRCh38, 1-based): chr9:104,806,372, T>A on the plus strand (A>T on the coding strand, the complement: ABCA1 is on the minus strand). VCF-style: chr9-104806372-T-A. GRCh37 (hg19) VCF-style: chr9-107568653-T-A.
Other names: short protein forms I1445F.
Identifiers: ClinVar variation 3833501 (VCV003833501.1).
Genomic context (GRCh38, chr9:104,806,372, plus strand): 5'-ACTGGCATGCAGGTGAAGGGTTCTGCATTGTCCAGTTCCCATTCTGGAAGAGGTCCATGA[T>A]GGTCTGGGGAACTGGGGCAGTGGTCCACTCTTCCTCCCCTGCCTGGCAGGGCGTGTCTCT-3'
Protein context (NP_005493.2, residues 1435-1455): EWTTAPVPQT[Ile1445Phe]MDLFQNGNWT